The following is an entry in ClinVar:

NM_001933.5(DLST):c.538A>T (p.Ile180Leu)

Gene: DLST (dihydrolipoamide S-succinyltransferase; plus strand). Cytogenetic location: 14q24.3.
Variant type: single nucleotide variant.
Coding change: c.538A>T on transcript NM_001933.5 (MANE Select); coding-DNA position 538, A replaced by T.
Protein change: p.Ile180Leu; replaces isoleucine 180 with leucine.
Molecular consequence: missense variant. On other transcripts: non-coding transcript variant (2).
Genome position (GRCh38, 1-based): chr14:74,892,929, A>T. VCF-style: chr14-74892929-A-T. GRCh37 (hg19) VCF-style: chr14-75359632-A-T.
Other names: short protein forms I180L.
Identifiers: ClinVar variation 4799352 (VCV004799352.1).

ClinVar aggregate classification (germline): Uncertain significance (1 of 4 stars; one submission).

gnomAD v4.1: 24 of 1,614,052 alleles (0.0015%); highest among the groups gnomAD compares: Non-Finnish European, 0.0016%; no homozygotes.

Submission:

Labcorp Genetics (formerly Invitae), Labcorp
Classification: Uncertain significance. Last evaluated: 2025-07-22. Review status: criteria provided, single submitter. Criteria: Invitae Variant Classification Sherloc (09022015). Collection method: clinical testing. Allele origin: germline.
Comment: This sequence change replaces isoleucine, which is neutral and non-polar, with leucine, which is neutral and non-polar, at codon 180 of the DLST protein (p.Ile180Leu). This variant is present in population databases (rs373100800, gnomAD 0.004%). This variant has not been reported in the literature in individuals affected with DLST-related conditions. Invitae Evidence Modeling of protein sequence and biophysical properties (such as structural, functional, and spatial information, amino acid conservation, physicochemical variation, residue mobility, and thermodynamic stability) indicates that this missense variant is not expected to disrupt DLST protein function with a negative predictive value of 80%. In summary, the available evidence is currently insufficient to determine the role of this variant in disease. Therefore, it has been classified as a Variant of Uncertain Significance.